The following is an entry in ClinVar:

ClinVar aggregate classification (germline): Uncertain significance (1 of 4 stars; one submission).

Allele frequency attached by ClinVar (database versions not stated): gnomAD exomes below 0.00001.
gnomAD v4.1: 1 of 1,614,144 alleles (0.000062%); highest among the groups gnomAD compares: African/African-American, 0.0013%; no homozygotes.

Submission:

Labcorp Genetics (formerly Invitae), Labcorp
Classification: Uncertain significance. Last evaluated: 2023-01-21. Review status: criteria provided, single submitter. Criteria: Invitae Variant Classification Sherloc (09022015). Collection method: clinical testing. Allele origin: germline.
Comment: In summary, the available evidence is currently insufficient to determine the role of this variant in disease. Therefore, it has been classified as a Variant of Uncertain Significance. Advanced modeling of protein sequence and biophysical properties (such as structural, functional, and spatial information, amino acid conservation, physicochemical variation, residue mobility, and thermodynamic stability) performed at Invitae indicates that this missense variant is expected to disrupt BEST1 protein function. This variant has not been reported in the literature in individuals affected with BEST1-related conditions. This variant is not present in population databases (gnomAD no frequency). This sequence change replaces phenylalanine, which is neutral and non-polar, with serine, which is neutral and polar, at codon 453 of the BEST1 protein (p.Phe453Ser).

NM_004183.4(BEST1):c.1358T>C (p.Phe453Ser)

Gene: BEST1 (bestrophin 1; plus strand). Cytogenetic location: 11q12.3.
Variant type: single nucleotide variant.
Coding change: c.1358T>C on transcript NM_004183.4 (MANE Select); coding-DNA position 1358, T replaced by C.
Protein change: p.Phe453Ser; replaces phenylalanine 453 with serine.
Molecular consequence: missense variant. On other transcripts: non-coding transcript variant (1).
Genome position (GRCh38, 1-based): chr11:61,962,512, T>C. VCF-style: chr11-61962512-T-C. GRCh37 (hg19) VCF-style: chr11-61729984-T-C.
Other names: c.1178T>C, p.Phe393Ser (NM_001139443.3, NM_001300787.2); c.1097T>C, p.Phe366Ser (NM_001300786.2); c.1040T>C, p.Phe347Ser (NM_001363591.3); c.*253T>C (NM_001363592.2); c.386T>C, p.Phe129Ser (NM_001363593.3); short protein forms F393S, F453S, F129S, F347S, F366S.
Identifiers: ClinVar variation 2723354 (VCV002723354.3), dbSNP rs1942174860, ClinGen allele CA380848613.